The following is an entry in ClinVar:

NC_000020.10:g.(?_8630001)_(8637951_?)del

Gene: PLCB1 (phospholipase C beta 1; plus strand). Cytogenetic location: 20p12.3.
Variant type: Deletion.
Identifiers: ClinVar variation 1439765 (VCV001439765.9).

ClinVar aggregate classification (germline): Uncertain significance (1 of 4 stars; one submission).

Conditions:
Developmental and epileptic encephalopathy, 12 (DEE12). Identifiers: MedGen C3150988, MONDO:0013389, OMIM 613722.

Submission:

Labcorp Genetics (formerly Invitae), Labcorp
Classification: Uncertain significance for Developmental and epileptic encephalopathy, 12. Last evaluated: 2022-03-19. Review status: criteria provided, single submitter. Criteria: Invitae Variant Classification Sherloc (09022015). Collection method: clinical testing. Allele origin: germline.
Comment: In summary, the available evidence is currently insufficient to determine the role of this variant in disease. Therefore, it has been classified as a Variant of Uncertain Significance. Experimental studies and prediction algorithms are not available or were not evaluated, and the functional significance of this variant is currently unknown. This variant has not been reported in the literature in individuals affected with PLCB1-related conditions. This variant is a gross deletion of the genomic region encompassing exon(s) 7-8 of the PLCB1 gene. This variant would be expected to be in-frame, preserving the integrity of the reading frame.